The following is an entry in ClinVar:

NM_001253697.2(ERBIN):c.2642T>A (p.Leu881Gln)

Gene: ERBIN (erbb2 interacting protein; plus strand). Cytogenetic location: 5q12.3.
Variant type: single nucleotide variant.
Coding change: c.2642T>A on transcript NM_001253697.2 (MANE Select); coding-DNA position 2642, T replaced by A.
Protein change: p.Leu881Gln; replaces leucine 881 with glutamine.
Molecular consequence: missense variant.
Genome position (GRCh38, 1-based): chr5:66,053,960, T>A. VCF-style: chr5-66053960-T-A. GRCh37 (hg19) VCF-style: chr5-65349788-T-A.
Other names: c.2642T>A, p.Leu881Gln (NM_001006600.3, NM_001253698.2, NM_001253699.2 and 1 more transcripts); c.2630T>A, p.Leu877Gln (NM_001253701.2); short protein forms L877Q, L881Q.
Identifiers: ClinVar variation 1964657 (VCV001964657.5), dbSNP rs2546812513, ClinGen allele CA359867314.
Genomic context (GRCh38, chr5:66,053,960, plus strand): 5'-GTGGTCCAGTTGGATCTGTTGTGAAATCTCATAGCATAACTAATATGGAGATTGGAGGGC[T>A]AAAAATCTATGATATTCTTAGTGATAATGGACCTCAGCAGCCAAGTACAACCGTTAAAAT-3'
Protein context (NP_001240626.1, residues 871-891): HSITNMEIGG[Leu881Gln]KIYDILSDNG

ClinVar aggregate classification (germline): Uncertain significance (1 of 4 stars; one submission).

Submission:

Labcorp Genetics (formerly Invitae), Labcorp
Classification: Uncertain significance. Last evaluated: 2022-06-04. Review status: criteria provided, single submitter. Criteria: Invitae Variant Classification Sherloc (09022015). Collection method: clinical testing. Allele origin: germline.
Comment: In summary, the available evidence is currently insufficient to determine the role of this variant in disease. Therefore, it has been classified as a Variant of Uncertain Significance. Algorithms developed to predict the effect of missense changes on protein structure and function are either unavailable or do not agree on the potential impact of this missense change (SIFT: "Deleterious"; PolyPhen-2: "Benign"; Align-GVGD: "Class C0"). This variant has not been reported in the literature in individuals affected with ERBIN-related conditions. This variant is not present in population databases (gnomAD no frequency). This sequence change replaces leucine, which is neutral and non-polar, with glutamine, which is neutral and polar, at codon 881 of the ERBIN protein (p.Leu881Gln).